The following is an entry in ClinVar:

ClinVar aggregate classification (germline): Uncertain significance. Review status: criteria provided, multiple submitters, no conflicts (2 of 4 stars). 4 submissions from 4 submitters: Uncertain significance (4). Last evaluated 2026-01-26.

Conditions:
Renal tubular dysgenesis. Also called: Renotubular dysgenesis. Identifiers: Orphanet 3033, MedGen C0266313, MONDO:0017609, HP:0008660.

Allele frequency attached by ClinVar (database versions not stated): 1000 Genomes Project 30x 0.00031; gnomAD 0.00048 and 0.00052; 1000 Genomes Project 0.00040; TOPMed 0.00047; ESP Exome Variant Server 0.00054.
gnomAD v4.1: 1,322 of 1,614,086 alleles (0.082%); highest among the groups gnomAD compares: Non-Finnish European, 0.1%; 1 homozygote.

Submissions (4):

Labcorp Genetics (formerly Invitae), Labcorp
Classification: Uncertain significance. Last evaluated: 2026-01-26. Review status: criteria provided, single submitter. Criteria: Invitae Variant Classification Sherloc (09022015). Collection method: clinical testing. Allele origin: germline.
Comment: This sequence change replaces proline, which is neutral and non-polar, with arginine, which is basic and polar, at codon 485 of the ACE protein (p.Pro485Arg). This variant is present in population databases (rs28730839, gnomAD 0.07%), and has an allele count higher than expected for a pathogenic variant. This variant has not been reported in the literature in individuals affected with ACE-related conditions. ClinVar contains an entry for this variant (Variation ID: 888833). Invitae Evidence Modeling of protein sequence and biophysical properties (such as structural, functional, and spatial information, amino acid conservation, physicochemical variation, residue mobility, and thermodynamic stability) indicates that this missense variant is not expected to disrupt ACE protein function with a negative predictive value of 80%. In summary, the available evidence is currently insufficient to determine the role of this variant in disease. Therefore, it has been classified as a Variant of Uncertain Significance.

GeneDx
Classification: Uncertain significance. Last evaluated: 2025-05-12. Review status: criteria provided, single submitter. Criteria: GeneDx Variant Classification Process June 2021. Collection method: clinical testing. Allele origin: germline. Affected: yes.
Comment: In silico analysis supports that this missense variant has a deleterious effect on protein structure/function; Observed in a cohort of individuals with different diseases, including Alzheimers disease, but specific clinical information was not provided (PMID: 38255267); This variant is associated with the following publications: (PMID: 38255267)

Blueprint Genetics
Classification: Uncertain significance. Last evaluated: 2024-10-03. Review status: criteria provided, single submitter. Criteria: ACMG Guidelines, 2015. Collection method: clinical testing. Allele origin: germline.

Illumina Laboratory Services, Illumina
Classification: Uncertain significance for Renal tubular dysgenesis of genetic origin. Last evaluated: 2017-04-27. Review status: criteria provided, single submitter. Criteria: ICSL Variant Classification Criteria 13 December 2019. Collection method: clinical testing. Allele origin: germline.

NM_000789.4(ACE):c.1454C>G (p.Pro485Arg)

Gene: ACE (angiotensin I converting enzyme; plus strand). Cytogenetic location: 17q23.3.
Variant type: single nucleotide variant.
Coding change: c.1454C>G on transcript NM_000789.4 (MANE Select); coding-DNA position 1454, C replaced by G.
Protein change: p.Pro485Arg; replaces proline 485 with arginine.
Molecular consequence: missense variant.
Genome position (GRCh38, 1-based): chr17:63,483,140, C>G. VCF-style: chr17-63483140-C-G. GRCh37 (hg19) VCF-style: chr17-61560501-C-G.
Other names: short protein forms P485R.
Identifiers: ClinVar variation 888833 (VCV000888833.10), dbSNP rs28730839, ClinGen allele CA8699540.
Genomic context (GRCh38, chr17:63,483,140, plus strand): 5'-TGCCCTTTGGCTACTTGGTGGACCAGTGGCGCTGGGGGGTCTTTAGTGGGCGTACCCCCC[C>G]TTCCCGCTACAACTTCGACTGGTGGTATCTTCGGTGAGAGGAGGGATAGAAAAGCCTTCG-3'
Protein context (NP_000780.1, residues 475-495): RWGVFSGRTP[Pro485Arg]SRYNFDWWYL